The following is an entry in ClinVar:

NM_024753.5(TTC21B):c.3158G>A (p.Arg1053His)

Gene: TTC21B (tetratricopeptide repeat domain 21B; minus strand). Cytogenetic location: 2q24.3.
Variant type: single nucleotide variant.
Coding change: c.3158G>A on transcript NM_024753.5 (MANE Select); coding-DNA position 3158, G replaced by A.
Protein change: p.Arg1053His; replaces arginine 1053 with histidine.
Molecular consequence: missense variant.
Genome position (GRCh38, 1-based): chr2:165,890,584, C>T on the plus strand (G>A on the coding strand, the complement: TTC21B is on the minus strand). VCF-style: chr2-165890584-C-T. GRCh37 (hg19) VCF-style: chr2-166747094-C-T.
Other names: short protein forms R1053H.
Identifiers: ClinVar variation 216767 (VCV000216767.10), dbSNP rs768306526, ClinGen allele CA337359.

ClinVar aggregate classification (germline): Uncertain significance. Review status: criteria provided, multiple submitters, no conflicts (2 of 4 stars). 2 submissions from 2 submitters: Uncertain significance (2). Last evaluated 2026-04-30.

Conditions:
TTC21B-related disorder. Also called: TTC21B-related condition; TTC21B-related disorders.
Nephronophthisis. Also called: Juvenile Nephronophthisis. Identifiers: Orphanet 655, MedGen C0687120, MONDO:0019005, HP:0000090.
Jeune thoracic dystrophy. Also called: Jeune syndrome; Infantile thoracic dystrophy; Thoracic pelvic phalangeal dystrophy; Jeune's syndrome; Chondroectodermal dysplasia-like syndrome; Short-rib thoracic dysplasia. Identifiers: Orphanet 474, MedGen C0265275, MONDO:0018770.

Allele frequency attached by ClinVar (database versions not stated): TOPMed below 0.00001; ExAC 0.00001; gnomAD exomes 0.00001.
gnomAD v4.1: 20 of 1,613,778 alleles (0.0012%); highest among the groups gnomAD compares: South Asian, 0.0066%; no homozygotes.

Submissions (2):

PreventionGenetics, part of Exact Sciences
Classification: Uncertain significance for TTC21B-related condition. Last evaluated: 2026-04-30. Review status: criteria provided, single submitter. Criteria: ACMG Guidelines, 2015. Collection method: clinical testing. Allele origin: germline.
Comment: The TTC21B c.3158G>A variant is predicted to result in the amino acid substitution p.Arg1053His. To our knowledge, this variant has not been reported in the literature. This variant is reported in 0.0033% of alleles in individuals of South Asian descent in gnomAD. At this time, the clinical significance of this variant is uncertain due to the absence of conclusive functional and genetic evidence.

Labcorp Genetics (formerly Invitae), Labcorp
Classification: Uncertain significance for Jeune thoracic dystrophy; Nephronophthisis. Last evaluated: 2021-08-28. Review status: criteria provided, single submitter. Criteria: Invitae Variant Classification Sherloc (09022015). Collection method: clinical testing. Allele origin: germline.
Comment: This sequence change replaces arginine with histidine at codon 1053 of the TTC21B protein (p.Arg1053His). The arginine residue is weakly conserved and there is a small physicochemical difference between arginine and histidine. This variant is present in population databases (rs768306526, ExAC 0.006%). This variant has not been reported in the literature in individuals affected with TTC21B-related conditions. ClinVar contains an entry for this variant (Variation ID: 216767). Algorithms developed to predict the effect of missense changes on protein structure and function (SIFT, PolyPhen-2, Align-GVGD) all suggest that this variant is likely to be tolerated. In summary, the available evidence is currently insufficient to determine the role of this variant in disease. Therefore, it has been classified as a Variant of Uncertain Significance.